The following is an entry in ClinVar:

ClinVar aggregate classification (germline): Conflicting classifications of pathogenicity. Review status: criteria provided, conflicting classifications (1 of 4 stars). 3 submissions from 3 submitters: Uncertain significance (2); Likely benign (1). Last evaluated 2025-08-19.

Conditions:
Inborn genetic diseases. Identifiers: MedGen C0950123, MeSH D030342.
Retinitis pigmentosa (RP). Identifiers: Orphanet 791, MedGen C0035334, MeSH D012174, MONDO:0019200, OMIM 268000. Inheritance: Autosomal dominant, autosomal recessive and X linked inheritance.

Submissions (3):

Ambry Genetics
Classification: Likely benign for Inborn genetic diseases. Last evaluated: 2025-08-19. Review status: criteria provided, single submitter. Criteria: Ambry Variant Classification Scheme 2023. Collection method: clinical testing. Allele origin: germline.

Labcorp Genetics (formerly Invitae), Labcorp
Classification: Uncertain significance. Last evaluated: 2024-02-17. Review status: criteria provided, single submitter. Criteria: Invitae Variant Classification Sherloc (09022015). Collection method: clinical testing. Allele origin: germline.
Comment: This sequence change replaces arginine, which is basic and polar, with tryptophan, which is neutral and slightly polar, at codon 157 of the CNGB1 protein (p.Arg157Trp). This variant is present in population databases (rs775590206, gnomAD 0.006%). This variant has not been reported in the literature in individuals affected with CNGB1-related conditions. ClinVar contains an entry for this variant (Variation ID: 888554). Advanced modeling of protein sequence and biophysical properties (such as structural, functional, and spatial information, amino acid conservation, physicochemical variation, residue mobility, and thermodynamic stability) performed at Invitae indicates that this missense variant is not expected to disrupt CNGB1 protein function with a negative predictive value of 95%. In summary, the available evidence is currently insufficient to determine the role of this variant in disease. Therefore, it has been classified as a Variant of Uncertain Significance.

Illumina Laboratory Services, Illumina
Classification: Uncertain significance for Retinitis pigmentosa. Last evaluated: 2018-01-13. Review status: criteria provided, single submitter. Criteria: ICSL Variant Classification Criteria 13 December 2019. Collection method: clinical testing. Allele origin: germline.

NM_001297.5(CNGB1):c.469C>T (p.Arg157Trp)

Gene: CNGB1 (cyclic nucleotide gated channel subunit beta 1; minus strand). Cytogenetic location: 16q21.
Variant type: single nucleotide variant.
Coding change: c.469C>T on transcript NM_001297.5 (MANE Select); coding-DNA position 469, C replaced by T.
Protein change: p.Arg157Trp; replaces arginine 157 with tryptophan.
Molecular consequence: missense variant.
Genome position (GRCh38, 1-based): chr16:57,960,905, G>A on the plus strand (C>T on the coding strand, the complement: CNGB1 is on the minus strand). VCF-style: chr16-57960905-G-A. GRCh37 (hg19) VCF-style: chr16-57994809-G-A.
Other names: c.469C>T, p.Arg157Trp (NM_001135639.2, NM_001286130.2); short protein forms R157W.
Identifiers: ClinVar variation 888554 (VCV000888554.10), dbSNP rs775590206, ClinGen allele CA8083798.
Genomic context (GRCh38, chr16:57,960,905, plus strand): 5'-AGGATTTGGGGGGCTGAGGAAGCACTCTTTCCAGATTCTGCTCCAGCCACAGAAGCAGCC[G>A]CAGCCCAGGCCTGCAGAGGGGCCAGTGATCAGCAGAGTGCCCTGAGGGAACCGGCCAGCG-3'
Protein context (NP_001288.3, residues 147-167): LEAQDTRPGL[Arg157Trp]LLLWLEQNLE